The following is an entry in ClinVar:

ClinVar aggregate classification (germline): Uncertain significance (1 of 4 stars; one submission).

Conditions:
Candidiasis, familial, 6 (CANDF6). Also called: Candidiasis, familial, 6, autosomal dominant. Identifiers: Orphanet 1334, MedGen C3151405, MONDO:0013503, OMIM 613956.

Allele frequency attached by ClinVar (database versions not stated): gnomAD 0.00003; gnomAD exomes 0.00007; ExAC 0.00012; 1000 Genomes Project 0.00020; 1000 Genomes Project 30x 0.00031.

Submission:

Labcorp Genetics (formerly Invitae), Labcorp
Classification: Uncertain significance for Candidiasis, familial, 6. Last evaluated: 2025-01-19. Review status: criteria provided, single submitter. Criteria: Invitae Variant Classification Sherloc (09022015). Collection method: clinical testing. Allele origin: germline.
Comment: This sequence change replaces histidine, which is basic and polar, with tyrosine, which is neutral and polar, at codon 38 of the IL17F protein (p.His38Tyr). This variant is present in population databases (rs555372013, gnomAD 0.1%), and has an allele count higher than expected for a pathogenic variant. This variant has not been reported in the literature in individuals affected with IL17F-related conditions. ClinVar contains an entry for this variant (Variation ID: 2420404). An algorithm developed to predict the effect of missense changes on protein structure and function (PolyPhen-2) suggests that this variant is likely to be tolerated. In summary, the available evidence is currently insufficient to determine the role of this variant in disease. Therefore, it has been classified as a Variant of Uncertain Significance.

NM_052872.4(IL17F):c.112C>T (p.His38Tyr)

Gene: IL17F (interleukin 17F; minus strand). Cytogenetic location: 6p12.2.
Variant type: single nucleotide variant.
Coding change: c.112C>T on transcript NM_052872.4 (MANE Select); coding-DNA position 112, C replaced by T.
Protein change: p.His38Tyr; replaces histidine 38 with tyrosine.
Molecular consequence: missense variant.
Genome position (GRCh38, 1-based): chr6:52,238,872, G>A on the plus strand (C>T on the coding strand, the complement: IL17F is on the minus strand). VCF-style: chr6-52238872-G-A. GRCh37 (hg19) VCF-style: chr6-52103670-G-A.
Other names: short protein forms H38Y.
Identifiers: ClinVar variation 2420404 (VCV002420404.6), dbSNP rs555372013, ClinGen allele CA3854443.
Genomic context (GRCh38, chr6:52,238,872, plus strand): 5'-CAAGCTTCATACTACCTCCTGGCACAGGCGGGCAACTCTCAGGCTTTTGGAAAAAAGTAT[G>A]TCCTACTTTGGGGATTTTCCGAGCTGCCGCCTCACTCAGAAAGGCAAGCCCCAATATCGA-3'
Protein context (NP_443104.1, residues 28-48): AAARKIPKVG[His38Tyr]TFFQKPESCP